The following is an entry in ClinVar:

ClinVar aggregate classification (germline): Uncertain significance (1 of 4 stars; one submission).

Conditions:
Inborn genetic diseases. Identifiers: MedGen C0950123, MeSH D030342.

Submission:

Ambry Genetics
Classification: Uncertain significance for Inborn genetic diseases. Last evaluated: 2025-05-21. Review status: criteria provided, single submitter. Criteria: Ambry Variant Classification Scheme 2023. Collection method: clinical testing. Allele origin: germline.
Comment: The p.V38I variant (also known as c.112G>A), located in coding exon 2 of the CEP57 gene, results from a G to A substitution at nucleotide position 112. The valine at codon 38 is replaced by isoleucine, an amino acid with highly similar properties. This amino acid position is conserved. In addition, this alteration is predicted to be tolerated by in silico analysis. Based on the available evidence, the clinical significance of this variant remains unclear.

NM_014679.5(CEP57):c.112G>A (p.Val38Ile)

Gene: CEP57 (centrosomal protein 57; plus strand). Cytogenetic location: 11q21.
Variant type: single nucleotide variant.
Coding change: c.112G>A on transcript NM_014679.5 (MANE Select); coding-DNA position 112, G replaced by A.
Protein change: p.Val38Ile; replaces valine 38 with isoleucine.
Molecular consequence: missense variant.
Genome position (GRCh38, 1-based): chr11:95,799,298, G>A. VCF-style: chr11-95799298-G-A. GRCh37 (hg19) VCF-style: chr11-95532462-G-A.
Other names: c.85G>A, p.Val29Ile (NM_001243776.2); c.112G>A, p.Val38Ile (NM_001243777.2); c.31G>A, p.Val11Ile (NM_001363604.2); short protein forms V11I, V29I, V38I.
Identifiers: ClinVar variation 4001061 (VCV004001061.1).